The following is an entry in ClinVar:

ClinVar aggregate classification (germline): Pathogenic. Review status: criteria provided, single submitter (1 of 4 stars). 2 submissions from 2 submitters: Pathogenic (1). 1 of the submissions does not count toward it. Last evaluated 2019-12-02.

Conditions:
Mucopolysaccharidosis type 1. Also called: Mucopolysaccharidosis Type I; IDUA deficiency; MPS I. Identifiers: Orphanet 579, MedGen C0023786, MONDO:0001586.

Submissions (2):

Labcorp Genetics (formerly Invitae), Labcorp
Classification: Pathogenic for Mucopolysaccharidosis type 1. Last evaluated: 2019-12-02. Review status: criteria provided, single submitter. Criteria: Invitae Variant Classification Sherloc (09022015). Collection method: clinical testing. Allele origin: germline.
Comment: For these reasons, this variant has been classified as Pathogenic. Loss-of-function variants in IDUA are known to be pathogenic (PMID: 11735025, 21480867). This nonsense change has been observed in individual(s) with Mucopolysaccharidosis type I (PMID: 29282708). This variant is not present in population databases (ExAC no frequency). This sequence change creates a premature translational stop signal (p.Trp312*) in the IDUA gene. It is expected to result in an absent or disrupted protein product.

Natera, Inc.
Classification: Pathogenic for Mucopolysaccharidosis type I. Last evaluated: 2020-09-16. Review status: no assertion criteria provided. Collection method: clinical testing. Allele origin: germline. Not counted in ClinVar's aggregate classification.

Literature cited by the submitters: PubMed 11735025 (cited by Labcorp Genetics (formerly Invitae), Labcorp); PubMed 21480867 (cited by Labcorp Genetics (formerly Invitae), Labcorp); PubMed 29282708 (cited by Labcorp Genetics (formerly Invitae), Labcorp).

NM_000203.5(IDUA):c.936G>A (p.Trp312Ter)

Gene: IDUA (alpha-L-iduronidase; plus strand). Cytogenetic location: 4p16.3.
Variant type: single nucleotide variant.
Coding change: c.936G>A on transcript NM_000203.5 (MANE Select); coding-DNA position 936, G replaced by A.
Protein change: p.Trp312Ter; replaces tryptophan 312 with a stop codon.
Molecular consequence: nonsense. On other transcripts: non-coding transcript variant (1).
Genome position (GRCh38, 1-based): chr4:1,002,125, G>A. VCF-style: chr4-1002125-G-A. GRCh37 (hg19) VCF-style: chr4-995913-G-A.
Other names: c.540G>A, p.Trp180Ter (NM_001363576.1); short protein forms W312*, W180*.
Identifiers: ClinVar variation 855322 (VCV000855322.11), dbSNP rs1715123409, ClinGen allele CA355962707.